The following is an entry in ClinVar:

NM_005660.3(SLC35A2):c.841G>A (p.Gly281Ser)

Gene: SLC35A2 (solute carrier family 35 member A2; minus strand). Cytogenetic location: Xp11.23.
Variant type: single nucleotide variant.
Coding change: c.841G>A on transcript NM_005660.3 (MANE Select); coding-DNA position 841, G replaced by A.
Protein change: p.Gly281Ser; replaces glycine 281 with serine.
Molecular consequence: missense variant. On other transcripts: intron variant (3).
Genome position (GRCh38, 1-based): chrX:48,905,068, C>T on the plus strand (G>A on the coding strand, the complement: SLC35A2 is on the minus strand). VCF-style: chrX-48905068-C-T. GRCh37 (hg19) VCF-style: chrX-48762345-C-T.
Other names: c.841G>A, p.Gly281Ser (NM_001042498.3); c.658G>A, p.Gly220Ser (NM_001282649.2); c.880G>A, p.Gly294Ser (NM_001282650.2); c.925G>A, p.Gly309Ser (NM_001282651.2); c.427-176G>A (NM_001282647.2, NM_001032289.3); c.355-176G>A (NM_001282648.2); short protein forms G294S, G220S, G281S, G309S.
Identifiers: ClinVar variation 948559 (VCV000948559.4), dbSNP rs2063479133, ClinGen allele CA412895101.

ClinVar aggregate classification (germline): Pathogenic/Likely pathogenic. Review status: criteria provided, multiple submitters, no conflicts (2 of 4 stars). 4 submissions from 4 submitters: Pathogenic (1); Likely pathogenic (2). 1 of the submissions does not count toward it. Last evaluated 2025-12-31.

Conditions:
SLC35A2-congenital disorder of glycosylation. Also called: DEVELOPMENTAL AND EPILEPTIC ENCEPHALOPATHY 22; SLC35A2-CDG; EPILEPTIC ENCEPHALOPATHY, EARLY INFANTILE, 22; CONGENITAL DISORDER OF GLYCOSYLATION, TYPE IIm; CDG IIm; CONGENITAL DISORDER OF GLYCOSYLATION, TYPE IIm, SOMATIC MOSAIC. Identifiers: Orphanet 356961, MedGen C3806688, MONDO:0010478, OMIM 300896.
SLC35A2-related disorder. Also called: SLC35A2-related condition.

Submissions (4):

3billion
Classification: Likely pathogenic for SLC35A2-congenital disorder of glycosylation. Last evaluated: 2025-12-31. Review status: criteria provided, single submitter. Criteria: ACMG Guidelines, 2015. Collection method: clinical testing. Allele origin: germline. Affected: yes.
Comment: The variant is not observed in the gnomAD v4.1.0 dataset. Predicted Consequence/Location: Missense variant In silico tool predictions suggest damaging effect of the variant on gene or gene product [3Cnet: 0.89 (> 0.75, sensitivity 0.96 and precision 0.92)]. The same nucleotide change resulting in the same amino acid change has been previously reported to be associated with SLC35A2-related disorder (ClinVar ID: VCV000948559 /PMID: 30746764).The variant has been previously reported as de novo in a similarly affected individual (PMID: 30746764). A different missense change at the same codon (p.Gly281Arg) has been reported to be associated with SLC35A2-related disorder (PMID: 30746764). Therefore, this variant is classified as Likely pathogenic according to the recommendation of ACMG/AMP guideline.

GeneDx
Classification: Pathogenic. Last evaluated: 2025-02-10. Review status: criteria provided, single submitter. Criteria: GeneDx Variant Classification Process June 2021. Collection method: clinical testing. Allele origin: germline. Affected: yes.
Comment: Not observed at significant frequency in large population cohorts (gnomAD); In silico analysis supports that this missense variant has a deleterious effect on protein structure/function; This variant is associated with the following publications: (PMID: 33552911, 30746764)

Blueprint Genetics
Classification: Likely pathogenic for SLC35A2-related disorders. Last evaluated: 2022-01-20. Review status: criteria provided, single submitter. Criteria: ACMG Guidelines, 2015. Collection method: clinical testing. Allele origin: germline. Affected: yes. Observed: 1 variant allele.

Labcorp Genetics (formerly Invitae), Labcorp
Classification: Uncertain significance for SLC35A2-CDG. Last evaluated: 2019-07-18. Review status: flagged submission. Criteria: Invitae Variant Classification Sherloc (09022015). Collection method: clinical testing. Allele origin: germline. Not counted in ClinVar's aggregate classification.
Comment: This sequence change replaces glycine with serine at codon 281 of the SLC35A2 protein (p.Gly281Ser). The glycine residue is highly conserved and there is a small physicochemical difference between glycine and serine. This variant is not present in population databases (ExAC no frequency). This variant has not been reported in the literature in individuals with SLC35A2-related conditions. Algorithms developed to predict the effect of missense changes on protein structure and function are either unavailable or do not agree on the potential impact of this missense change (SIFT: "Deleterious"; PolyPhen-2: "Probably Damaging"; Align-GVGD: "Class C0"). In summary, the available evidence is currently insufficient to determine the role of this variant in disease. Therefore, it has been classified as a Variant of Uncertain Significance.
ClinVar note: Reason: Older claim that does not account for recent evidence

Literature cited by the submitters: PubMed 30746764 (cited by 3billion).